The following is an entry in ClinVar:

ClinVar aggregate classification (germline): Uncertain significance. Review status: criteria provided, multiple submitters, no conflicts (2 of 4 stars). 4 submissions from 4 submitters: Uncertain significance (4). Last evaluated 2025-10-15.

Conditions:
Osteogenesis imperfecta type 8 (OI8). Identifiers: MedGen C1970458, MONDO:0012581, OMIM 610915.
P3H1-related disorder. Also called: P3H1-related condition.
Inborn genetic diseases. Identifiers: MedGen C0950123, MeSH D030342.

Allele frequency attached by ClinVar (database versions not stated): gnomAD exomes 0.00002 and 0.00004; ExAC 0.00004; gnomAD 0.00013 and 0.00014; ESP Exome Variant Server 0.00015; TOPMed 0.00017.
gnomAD v4.1: 48 of 1,614,142 alleles (0.003%); highest among the groups gnomAD compares: African/African-American, 0.053%; no homozygotes.

Submissions (4):

Ambry Genetics
Classification: Uncertain significance for Inborn genetic diseases. Last evaluated: 2025-10-15. Review status: criteria provided, single submitter. Criteria: Ambry Variant Classification Scheme 2023. Collection method: clinical testing. Allele origin: germline.
Comment: The c.1307C>T (p.T436I) alteration is located in exon 8 (coding exon 8) of the P3H1 gene. This alteration results from a C to T substitution at nucleotide position 1307, causing the threonine (T) at amino acid position 436 to be replaced by an isoleucine (I). Based on data from gnomAD, the T allele has an overall frequency of 0.005% (14/282846) total alleles studied. The highest observed frequency was 0.044% (11/24954) of African alleles. Based on insufficient or conflicting evidence, the clinical significance of this alteration remains unclear.

PreventionGenetics, part of Exact Sciences
Classification: Uncertain significance for P3H1-related condition. Last evaluated: 2025-06-16. Review status: criteria provided, single submitter. Criteria: ACMG Guidelines, 2015. Collection method: clinical testing. Allele origin: germline.
Comment: The P3H1 c.1307C>T variant is predicted to result in the amino acid substitution p.Thr436Ile. To our knowledge, this variant has not been reported in the literature. This variant is reported in 0.044% of alleles in individuals of African descent in gnomAD. At this time, the clinical significance of this variant is uncertain due to the absence of conclusive functional and genetic evidence.

Genome-Nilou Lab
Classification: Uncertain significance for Osteogenesis imperfecta type 8. Last evaluated: 2023-04-11. Review status: criteria provided, single submitter. Criteria: ACMG Guidelines, 2015. Collection method: clinical testing. Allele origin: germline. Affected: no.

Labcorp Genetics (formerly Invitae), Labcorp
Classification: Uncertain significance for Osteogenesis imperfecta type 8. Last evaluated: 2022-06-16. Review status: criteria provided, single submitter. Criteria: Invitae Variant Classification Sherloc (09022015). Collection method: clinical testing. Allele origin: germline.
Comment: This sequence change replaces threonine, which is neutral and polar, with isoleucine, which is neutral and non-polar, at codon 436 of the P3H1 protein (p.Thr436Ile). This variant is present in population databases (rs143729962, gnomAD 0.05%). This variant has not been reported in the literature in individuals affected with P3H1-related conditions. ClinVar contains an entry for this variant (Variation ID: 1003972). Algorithms developed to predict the effect of missense changes on protein structure and function are either unavailable or do not agree on the potential impact of this missense change (SIFT: "Deleterious"; PolyPhen-2: "Benign"; Align-GVGD: "Class C0"). In summary, the available evidence is currently insufficient to determine the role of this variant in disease. Therefore, it has been classified as a Variant of Uncertain Significance.

NM_022356.4(P3H1):c.1307C>T (p.Thr436Ile)

Gene: P3H1 (prolyl 3-hydroxylase 1; minus strand). Cytogenetic location: 1p34.2.
Variant type: single nucleotide variant.
Coding change: c.1307C>T on transcript NM_022356.4 (MANE Select); coding-DNA position 1307, C replaced by T.
Protein change: p.Thr436Ile; replaces threonine 436 with isoleucine.
Molecular consequence: missense variant.
Genome position (GRCh38, 1-based): chr1:42,754,907, G>A on the plus strand (C>T on the coding strand, the complement: P3H1 is on the minus strand). VCF-style: chr1-42754907-G-A. GRCh37 (hg19) VCF-style: chr1-43220578-G-A.
Other names: c.1307C>T (NM_022356.3); c.1307C>T, p.Thr436Ile (NM_001146289.2, NM_001243246.2); short protein forms T436I.
Identifiers: ClinVar variation 1003972 (VCV001003972.10), dbSNP rs143729962, ClinGen allele CA801888.